The following is an entry in ClinVar:

ClinVar aggregate classification (germline): Pathogenic (1 of 4 stars; one submission).

Conditions:
Duchenne muscular dystrophy (DMD). Also called: MUSCULAR DYSTROPHY, PSEUDOHYPERTROPHIC PROGRESSIVE, DUCHENNE TYPE; Duchenne Muscular Dystrophy (DMD). Identifiers: Orphanet 98896, MedGen C0013264, MONDO:0010679, OMIM 310200.

Submission:

Labcorp Genetics (formerly Invitae), Labcorp
Classification: Pathogenic for Duchenne muscular dystrophy. Last evaluated: 2020-08-26. Review status: criteria provided, single submitter. Criteria: Invitae Variant Classification Sherloc (09022015). Collection method: clinical testing. Allele origin: germline.
Comment: This variant has been observed in individual(s) with Duchenne Muscular dystrophy (PMID: 19937601). Loss-of-function variants in DMD are known to be pathogenic (PMID: 16770791, 25007885). For these reasons, this variant has been classified as Pathogenic. This variant is not present in population databases (ExAC no frequency). This sequence change creates a premature translational stop signal (p.Leu654*) in the DMD gene. It is expected to result in an absent or disrupted protein product.

Literature cited by the submitters: PubMed 19937601; PubMed 16770791; PubMed 25007885.

NM_004006.3(DMD):c.1961T>A (p.Leu654Ter)

Gene: DMD (dystrophin; minus strand). Cytogenetic location: Xp21.1.
Variant type: single nucleotide variant.
Coding change: c.1961T>A on transcript NM_004006.3 (MANE Select); coding-DNA position 1961, T replaced by A.
Protein change: p.Leu654Ter; replaces leucine 654 with a stop codon.
Molecular consequence: nonsense.
Genome position (GRCh38, 1-based): chrX:32,565,733, A>T on the plus strand (T>A on the coding strand, the complement: DMD is on the minus strand). VCF-style: chrX-32565733-A-T. GRCh37 (hg19) VCF-style: chrX-32583850-A-T.
Other names: c.1937T>A, p.Leu646Ter (NM_000109.4); c.1949T>A, p.Leu650Ter (NM_004009.3); c.1592T>A, p.Leu531Ter (NM_004010.3); short protein forms L531*, L646*, L650*, L654*.
Identifiers: ClinVar variation 1074008 (VCV001074008.10), dbSNP rs1057518312, ClinGen allele CA412672316.